The following is an entry in ClinVar:

ClinVar aggregate classification (germline): Likely pathogenic (1 of 4 stars; one submission).

Submission:

GeneDx
Classification: Likely pathogenic. Last evaluated: 2015-11-05. Review status: criteria provided, single submitter. Criteria: GeneDx Variant Classification (06012015). Collection method: clinical testing. Allele origin: germline. Affected: yes.
Comment: The E70X variant in the MYBPC3 gene has not been reported as a pathogenic variant or as a benign variant to our knowledge. E70X is predicted to cause loss of normal protein function either by protein truncation or nonsense-mediated mRNA decay. Multiple other downstream nonsense variants in the MYBPC3 gene have been reported in HGMD in association with HCM (Stenson et al., 2014). Furthermore, the E70X variant was not observed in approximately 6,500 individuals of European and African American ancestry in the NHLBI Exome Sequencing Project, indicating it is not a common benign variant in these populations.In summary, E70X in the MYBPC3 gene is expected to be pathogenic

NM_000256.3(MYBPC3):c.208G>T (p.Glu70Ter)

Gene: MYBPC3 (myosin binding protein C3; minus strand). Cytogenetic location: 11p11.2.
Variant type: single nucleotide variant.
Coding change: c.208G>T on transcript NM_000256.3 (MANE Select); coding-DNA position 208, G replaced by T.
Protein change: p.Glu70Ter; replaces glutamic acid 70 with a stop codon.
Molecular consequence: nonsense.
Genome position (GRCh38, 1-based): chr11:47,351,323, C>A on the plus strand (G>T on the coding strand, the complement: MYBPC3 is on the minus strand). VCF-style: chr11-47351323-C-A. GRCh37 (hg19) VCF-style: chr11-47372874-C-A.
Other names: c.208G>T, p.Glu70Ter (LRG_386t1); short protein forms E70*.
Identifiers: ClinVar variation 429923 (VCV000429923.2), dbSNP rs11570045, ClinGen allele CA221708712.